The following is an entry in ClinVar:

NM_000138.5(FBN1):c.8320A>T (p.Lys2774Ter)

Gene: FBN1 (fibrillin 1; minus strand). Cytogenetic location: 15q21.1.
Variant type: single nucleotide variant.
Coding change: c.8320A>T on transcript NM_000138.5 (MANE Select); coding-DNA position 8320, A replaced by T.
Protein change: p.Lys2774Ter; replaces lysine 2774 with a stop codon.
Molecular consequence: nonsense.
Genome position (GRCh38, 1-based): chr15:48,411,286, T>A on the plus strand (A>T on the coding strand, the complement: FBN1 is on the minus strand). VCF-style: chr15-48411286-T-A. GRCh37 (hg19) VCF-style: chr15-48703483-T-A.
Other names: c.8320A>T, p.Lys2774Ter (NM_001406716.1); short protein forms K2774*.
Identifiers: ClinVar variation 4071554 (VCV004071554.1).

ClinVar aggregate classification (germline): Likely pathogenic (1 of 4 stars; one submission).

Submission:

GeneDx
Classification: Likely pathogenic. Last evaluated: 2025-01-27. Review status: criteria provided, single submitter. Criteria: GeneDx Variant Classification Process June 2021. Collection method: clinical testing. Allele origin: germline. Affected: yes.
Comment: Not observed at significant frequency in large population cohorts (gnomAD); Nonsense variant predicted to result in protein truncation, as the last 98 amino acid(s) are lost, and other loss-of-function variants have been reported downstream in HGMD; This variant is associated with the following publications: (PMID: 18435798)